The following is an entry in ClinVar:

NM_001291303.3(FAT4):c.5806G>A (p.Asp1936Asn)

Gene: FAT4 (FAT atypical cadherin 4; plus strand). Cytogenetic location: 4q28.1.
Variant type: single nucleotide variant.
Coding change: c.5806G>A on transcript NM_001291303.3 (MANE Select); coding-DNA position 5806, G replaced by A.
Protein change: p.Asp1936Asn; replaces aspartic acid 1936 with asparagine.
Molecular consequence: missense variant.
Genome position (GRCh38, 1-based): chr4:125,408,680, G>A. VCF-style: chr4-125408680-G-A. GRCh37 (hg19) VCF-style: chr4-126329835-G-A.
Other names: c.5806G>A, p.Asp1936Asn (NM_001291285.3, NM_024582.6); c.5806G>A (NM_024582.4); short protein forms D1936N.
Identifiers: ClinVar variation 1425420 (VCV001425420.8), dbSNP rs1235801879, ClinGen allele CA358123616.

ClinVar aggregate classification (germline): Uncertain significance. Review status: criteria provided, multiple submitters, no conflicts (2 of 4 stars). 3 submissions from 3 submitters: Uncertain significance (3). Last evaluated 2024-06-03.

Conditions:
Inborn genetic diseases. Identifiers: MedGen C0950123, MeSH D030342.
Hennekam lymphangiectasia-lymphedema syndrome 2 (HKLLS2). Identifiers: Orphanet 2136, MedGen C4014939, MONDO:0014454, OMIM 616006.

Allele frequency attached by ClinVar (database versions not stated): gnomAD exomes below 0.00001; gnomAD 0.00005.
gnomAD v4.1: 10 of 1,609,746 alleles (0.00062%); highest among the groups gnomAD compares: African/African-American, 0.012%; no homozygotes.

Submissions (3):

Clinical Genomics Laboratory, Washington University in St. Louis
Classification: Uncertain significance for Hennekam lymphangiectasia-lymphedema syndrome 2. Last evaluated: 2024-06-03. Review status: criteria provided, single submitter. Criteria: ACMG Guidelines, 2015. Collection method: clinical testing. Allele origin: germline.
Comment: A FAT4 c.5806G>A (p.Asp1936Asn) variant was identified at a near heterozygous allelic fraction, a frequency which may be consistent with germline origin. To our knowledge, this variant has not been reported in the medical literature and is only observed on 10/1,609,746 alleles in the general population (gnomAD v.4.1.0), indicating it is not a common variant. This variant has been reported in the ClinVar database as a germline variant of uncertain significance by two submitters (ClinVar ID: 1425420). Due to limited information, and based on ACMG/AMP guidelines for variant interpretation (Richards S et al., PMID: 25741868), the clinical significance of this variant is uncertain at this time.

Ambry Genetics
Classification: Uncertain significance for Inborn genetic diseases. Last evaluated: 2024-01-23. Review status: criteria provided, single submitter. Criteria: Ambry Variant Classification Scheme 2023. Collection method: clinical testing. Allele origin: germline.

Labcorp Genetics (formerly Invitae), Labcorp
Classification: Uncertain significance. Last evaluated: 2021-05-26. Review status: criteria provided, single submitter. Criteria: Invitae Variant Classification Sherloc (09022015). Collection method: clinical testing. Allele origin: germline.
Comment: In summary, the available evidence is currently insufficient to determine the role of this variant in disease. Therefore, it has been classified as a Variant of Uncertain Significance. Algorithms developed to predict the effect of missense changes on protein structure and function are either unavailable or do not agree on the potential impact of this missense change (SIFT: "Deleterious"; PolyPhen-2: "Probably Damaging"; Align-GVGD: "Class C15"). This variant has not been reported in the literature in individuals with FAT4-related conditions. This variant is not present in population databases (ExAC no frequency). This sequence change replaces aspartic acid with asparagine at codon 1936 of the FAT4 protein (p.Asp1936Asn). The aspartic acid residue is highly conserved and there is a small physicochemical difference between aspartic acid and asparagine.